The following is an entry in ClinVar:

NM_138694.4(PKHD1):c.9656_9657del (p.Val3219fs)

Gene: PKHD1 (PKHD1 ciliary IPT domain containing fibrocystin/polyductin; minus strand). Cytogenetic location: 6p12.3.
Variant type: Deletion.
Coding change: c.9656_9657del on transcript NM_138694.4 (MANE Select); coding-DNA positions 9656 to 9657, 2 bases deleted (TG; older notation c.9656_9657delTG).
Protein change: p.Val3219fs; shifts the reading frame from valine 3219.
Molecular consequence: frameshift variant.
Genome position (GRCh38, 1-based): chr6:51,747,959-51,747,960, CA deleted on the plus strand (TG on the coding strand, the reverse complement: PKHD1 is on the minus strand); deleting any 2 consecutive bases within chr6:51,747,959-51,747,961 gives the same sequence; the c. name uses the placement nearest the transcript's 3' end. VCF-style (leftmost placement, unchanged base first): chr6-51747958-TCA-T. GRCh37 (hg19) VCF-style: chr6-51612756-TCA-T.
Other names: c.9656_9657del, p.Val3219fs (NM_170724.3); short protein forms V3219fs.
Identifiers: ClinVar variation 1724313 (VCV001724313.2), dbSNP rs2533807192, ClinGen allele CA2580075422.

ClinVar aggregate classification (germline): Likely pathogenic (1 of 4 stars; one submission).

Conditions:
Polycystic kidney disease 4 (PKD4). Also called: POLYCYSTIC KIDNEY AND HEPATIC DISEASE 1; POLYCYSTIC KIDNEY DISEASE, INFANTILE, TYPE I; POLYCYSTIC KIDNEY DISEASE 4 WITH OR WITHOUT POLYCYSTIC LIVER DISEASE; PKD3; Autosomal Recessive Polycystic Kidney Disease – PKHD1. Identifiers: MedGen C4540575, MONDO:0033004, OMIM 263200.

Submission:

Myriad Genetics, Inc.
Classification: Likely pathogenic for Polycystic kidney disease 4. Last evaluated: 2022-02-05. Review status: criteria provided, single submitter. Criteria: Myriad Women's Health Autosomal Recessive and X-Linked Classification Criteria (2021). Collection method: clinical testing. Allele origin: unknown.
Comment: NM_138694.3(PKHD1):c.9656_9657delTG(V3219Efs*12) is expected to be pathogenic in the context of autosomal recessive polycystic kidney disease, PKHD1-related. This variant is predicted to lead to an abnormal or absent protein product due to the creation of a premature termination codon in PKHD1, a gene where loss-of-function variants are known to be pathogenic. Please note: this variant was assessed in the context of healthy population screening.